The following is an entry in ClinVar:

NM_001142556.2(HMMR):c.1928T>C (p.Val643Ala)

Genes: HMMR (hyaluronan mediated motility receptor; plus strand), HMMR-AS1 (HMMR antisense RNA 1; minus strand). Cytogenetic location: 5q34.
Variant type: single nucleotide variant.
Coding change: c.1928T>C on transcript NM_001142556.2 (MANE Select); coding-DNA position 1928, T replaced by C.
Protein change: p.Val643Ala; replaces valine 643 with alanine.
Molecular consequence: missense variant.
Genome position (GRCh38, 1-based): chr5:163,484,211, T>C. VCF-style: chr5-163484211-T-C. GRCh37 (hg19) VCF-style: chr5-162911217-T-C.
Other names: c.1667T>C, p.Val556Ala (NM_001142557.2); c.1925T>C, p.Val642Ala (NM_012484.3); c.1880T>C, p.Val627Ala (NM_012485.3); short protein forms V556A, V627A, V642A, V643A.
Identifiers: ClinVar variation 1683760 (VCV001683760.2), dbSNP rs199569126, ClinGen allele CA3546020.
Genomic context (GRCh38, chr5:163,484,211, plus strand): 5'-GAGATTCATATGCTAAATTATTGGGTCATCAGAATTTGAAACAAAAAATCAAGCATGTTG[T>C]GAAGTTGAAAGATGAAAATAGCCAACTCAAATCGGTTTGTAAAATGACTTTTCATTTTAT-3'
Protein context (NP_001136028.1, residues 633-653): QNLKQKIKHV[Val643Ala]KLKDENSQLK

ClinVar aggregate classification (germline): Uncertain significance (1 of 4 stars; one submission).

Conditions:
Breast cancer, susceptibility to. Identifiers: MedGen C3469522. Disease mechanism: gain of function.

Allele frequency attached by ClinVar (database versions not stated): gnomAD exomes 0.00004 and 0.00014; ExAC 0.00020; ESP Exome Variant Server 0.00031; TOPMed 0.00039; gnomAD 0.00042 and 0.00043; 1000 Genomes Project 0.00100; 1000 Genomes Project 30x 0.00109.
gnomAD v4.1: 126 of 1,602,554 alleles (0.0079%); highest among the groups gnomAD compares: African/African-American, 0.14%; 1 homozygote.

Submission:

Laboratorio de Genetica e Diagnostico Molecular, Hospital Israelita Albert Einstein
Classification: Uncertain significance for Susceptibility to Breast Cancer. Last evaluated: 2021-12-23. Review status: criteria provided, single submitter. Criteria: ACMG Guidelines, 2015. Collection method: clinical testing. Allele origin: germline. Affected: yes.
Comment: ACMG classification criteria: BP4 supporting